The following is an entry in ClinVar:

ClinVar aggregate classification (germline): Uncertain significance (1 of 4 stars; one submission).

Conditions:
Osteogenesis imperfecta type I (OI1). Also called: Classic Non-deforming Osteogenesis Imperfecta with Blue Sclerae; OI, TYPE I; OSTEOGENESIS IMPERFECTA TARDA; OSTEOGENESIS IMPERFECTA WITH BLUE SCLERAE; Osteogenesis imperfecta type 1; Lobstein's Disease. Identifiers: Orphanet 216796, Orphanet 666, MedGen C0023931, MONDO:0008146, OMIM 166200. Disease mechanism: loss of function.

gnomAD v4.1: 2 of 1,610,228 alleles (0.00012%); highest among the groups gnomAD compares: Non-Finnish European, 0.00017%; no homozygotes.

Submission:

Labcorp Genetics (formerly Invitae), Labcorp
Classification: Uncertain significance for Osteogenesis imperfecta type I. Last evaluated: 2023-10-13. Review status: criteria provided, single submitter. Criteria: Invitae Variant Classification Sherloc (09022015). Collection method: clinical testing. Allele origin: germline.
Comment: This sequence change replaces proline, which is neutral and non-polar, with leucine, which is neutral and non-polar, at codon 1009 of the COL1A1 protein (p.Pro1009Leu). This variant is not present in population databases (gnomAD no frequency). This variant has not been reported in the literature in individuals affected with COL1A1-related conditions. Advanced modeling of protein sequence and biophysical properties (such as structural, functional, and spatial information, amino acid conservation, physicochemical variation, residue mobility, and thermodynamic stability) has been performed at Invitae for this missense variant, however the output from this modeling did not meet the statistical confidence thresholds required to predict the impact of this variant on COL1A1 protein function. In summary, the available evidence is currently insufficient to determine the role of this variant in disease. Therefore, it has been classified as a Variant of Uncertain Significance.

NM_000088.4(COL1A1):c.3026C>T (p.Pro1009Leu)

Gene: COL1A1 (collagen type I alpha 1 chain; minus strand). Cytogenetic location: 17q21.33.
Variant type: single nucleotide variant.
Coding change: c.3026C>T on transcript NM_000088.4 (MANE Select); coding-DNA position 3026, C replaced by T.
Protein change: p.Pro1009Leu; replaces proline 1009 with leucine.
Molecular consequence: missense variant.
Genome position (GRCh38, 1-based): chr17:50,188,922, G>A on the plus strand (C>T on the coding strand, the complement: COL1A1 is on the minus strand). VCF-style: chr17-50188922-G-A. GRCh37 (hg19) VCF-style: chr17-48266283-G-A.
Other names: short protein forms P1009L.
Identifiers: ClinVar variation 2767908 (VCV002767908.3), dbSNP rs779085174, ClinGen allele CA400203704.